The following is an entry in ClinVar:

ClinVar aggregate classification (germline): Likely benign. Review status: criteria provided, multiple submitters, no conflicts (2 of 4 stars). 2 submissions from 2 submitters: Likely benign (2). Last evaluated 2026-02-17.

Conditions:
CTNNB1-related disorder. Also called: CTNNB1-related condition.

Allele frequency attached by ClinVar (database versions not stated): gnomAD exomes 0.00001 and 0.00002; ESP Exome Variant Server 0.00008.
gnomAD v4.1: 23 of 1,613,964 alleles (0.0014%); highest among the groups gnomAD compares: Non-Finnish European, 0.0019%; no homozygotes.

Submissions (2):

PreventionGenetics, part of Exact Sciences
Classification: Likely benign for CTNNB1-related condition. Last evaluated: 2026-02-17. Review status: criteria provided, single submitter. Criteria: ACMG Guidelines, 2015. Collection method: clinical testing. Allele origin: germline.
Comment: This variant is classified as likely benign based on ACMG/AMP sequence variant interpretation guidelines (Richards et al. 2015 PMID: 25741868, with internal and published modifications).

Labcorp Genetics (formerly Invitae), Labcorp
Classification: Likely benign. Last evaluated: 2026-01-15. Review status: criteria provided, single submitter. Criteria: Invitae Variant Classification Sherloc (09022015). Collection method: clinical testing. Allele origin: germline.

NM_001904.4(CTNNB1):c.1038G>A (p.Val346=)

Gene: CTNNB1 (catenin beta 1; plus strand). Cytogenetic location: 3p22.1.
Variant type: single nucleotide variant.
Coding change: c.1038G>A on transcript NM_001904.4 (MANE Select); coding-DNA position 1038, G replaced by A.
Protein change: p.Val346=; no amino-acid change (valine 346 retained).
Molecular consequence: synonymous variant.
Genome position (GRCh38, 1-based): chr3:41,227,309, G>A. VCF-style: chr3-41227309-G-A. GRCh37 (hg19) VCF-style: chr3-41268800-G-A.
Other names: c.1038G>A, p.Val346= (NM_001098209.2, NM_001098210.2); c.1017G>A, p.Val339= (NM_001330729.2).
Identifiers: ClinVar variation 759750 (VCV000759750.8), dbSNP rs367845313, ClinGen allele CA74090248.